The following continues an entry in ClinVar:

NM_007294.4(BRCA1):c.1723G>A (p.Glu575Lys)

Gene: BRCA1. ClinVar aggregate classification (germline): Conflicting classifications of pathogenicity. Uncertain significance (7); Likely benign (2).

Submissions 7 to 12 of 12:

University of Washington Department of Laboratory Medicine, University of Washington
Classification: Likely benign for Hereditary cancer-predisposing syndrome. Last evaluated: 2023-03-23. Review status: criteria provided, single submitter. Criteria: Dines et al. (Genet Med. 2020). Collection method: curation. Allele origin: germline.
Comment: Missense variant in a coldspot region where missense variants are very unlikely to be pathogenic (PMID:31911673).

BRCA1 coldspot (exon 11 using historical exon numbering). Reclassification based on statistical prior probability

Fulgent Genetics
Classification: Uncertain significance for Familial cancer of breast; Breast-ovarian cancer, familial, susceptibility to, 1; Pancreatic cancer, susceptibility to, 4; Fanconi anemia, complementation group S. Last evaluated: 2021-10-28. Review status: criteria provided, single submitter. Criteria: ACMG Guidelines, 2015. Collection method: clinical testing. Allele origin: unknown.

GeneDx
Classification: Uncertain significance. Last evaluated: 2019-12-03. Review status: criteria provided, single submitter. Criteria: GeneDx Variant Classification Process June 2021. Collection method: clinical testing. Allele origin: germline. Affected: yes.
Comment: Observed in individuals with a personal and/or family history of breast and/or ovarian cancer; however, did not co-segregate with breast cancer in one family (Coupier 2004, Suter 2004, Anczukow 2008); Published functional studies demonstrate a damaging effect: impaired DNA break repair activity (Coupier 2004); In silico analysis, which includes protein predictors and evolutionary conservation, supports a deleterious effect; Also known as 1842G>A; This variant is associated with the following publications: (PMID: 25348012, 14647443, 20858050, 14973102, 23893897, 26269718, 18273839, 31825140)

KCCC/NGS Laboratory, Kuwait Cancer Control Center
Classification: Uncertain significance for Breast-ovarian cancer, familial, susceptibility to, 1. Last evaluated: 2023-05-05. Review status: no assertion criteria provided. Collection method: clinical testing. Allele origin: germline. Affected: yes. Not counted in ClinVar's aggregate classification.
Comment: a variant of uncertain significance was detected in the BRCA1 gene. The p.E575K variant (also known as c.1723G>A), located in coding region of the BRCA1 gene, results from a G to A substitution at nucleotide position 1723. The glutamic acid at codon 575 is replaced by lysine, an amino acid with similar properties. The alteration did not segregate with disease in one family (PMID 14647443). In another study, this variant was shown to have no effect on alternate splicing using minigene splicing assay (PMID 18273839). Of note, this alteration is also designated as 1842G>A in published literature. This amino acid position is not well conserved in available vertebrate species. ClinVar has an entry for this variant with 6 submissions all of which classify it as of uncertain significance, 2 stars, no conflicts. In-silico prediction for this alteration shows Pathogenic computational verdict based on 8 pathogenic predictions from BayesDel_addAF, DANN, DEOGEN2, LIST-S2, M-CAP, MVP, MutationAssessor and SIFT vs 4 benign predictions from EIGEN, FATHMM-MKL, MutationTaster and PrimateAI. Therefore, this variant is classified as on uncertain significance. Pathogenic/Likely pathogenic BRCA1 variants cause hereditary breast/ovarian cancer syndrome (HBOC).

BRCAlab, Lund University
Classification: Uncertain significance for Breast-ovarian cancer, familial, susceptibility to, 1. Last evaluated: 2020-03-02. Review status: no assertion criteria provided. Collection method: clinical testing. Allele origin: germline. Affected: yes. Not counted in ClinVar's aggregate classification.

Counsyl
Classification: Uncertain significance for Breast-ovarian cancer, familial, susceptibility to, 1. Last evaluated: 2017-07-05. Review status: no assertion criteria provided. Collection method: clinical testing. Allele origin: unknown. Not counted in ClinVar's aggregate classification.

Literature cited by the submitters: PubMed 20858050 (cited by 3 submitters); PubMed 14973102 (cited by 6 submitters); PubMed 18273839 (cited by Women's Health and Genetics/Laboratory Corporation of America, LabCorp and Counsyl); PubMed 14647443 (cited by 6 submitters); PubMed 28525389 (cited by Women's Health and Genetics/Laboratory Corporation of America, LabCorp); PubMed 27062684 (cited by 6 submitters); PubMed 31825140 (cited by Women's Health and Genetics/Laboratory Corporation of America, LabCorp and Quest Diagnostics Nichols Institute San Juan Capistrano); PubMed 31954625 (cited by 4 submitters); PubMed 28481359 (cited by Women's Health and Genetics/Laboratory Corporation of America, LabCorp); PubMed 34981296 (cited by 3 submitters); PubMed 34930165 (cited by Women's Health and Genetics/Laboratory Corporation of America, LabCorp); PubMed 36833189 (cited by Women's Health and Genetics/Laboratory Corporation of America, LabCorp); PubMed 26950094 (cited by Women's Health and Genetics/Laboratory Corporation of America, LabCorp); PubMed 34837577 (cited by Women's Health and Genetics/Laboratory Corporation of America, LabCorp); PubMed 40977519 (cited by Women's Health and Genetics/Laboratory Corporation of America, LabCorp); PubMed 36107942 (cited by Women's Health and Genetics/Laboratory Corporation of America, LabCorp); PubMed 33945048 (cited by Women's Health and Genetics/Laboratory Corporation of America, LabCorp); PubMed 33471991 (cited by 3 submitters); PubMed 31911673 (cited by Quest Diagnostics Nichols Institute San Juan Capistrano); PubMed 20104584 (cited by KCCC/NGS Laboratory, Kuwait Cancer Control Center); PubMed 25348012 (cited by Counsyl).